The following is an entry in ClinVar:

ClinVar aggregate classification (germline): Uncertain significance. Review status: criteria provided, multiple submitters, no conflicts (2 of 4 stars). 2 submissions from 2 submitters: Uncertain significance (2). Last evaluated 2023-03-02.

Conditions:
Imerslund-Grasbeck syndrome. Also called: Megaloblastic anemia due to inborn errors of metabolism; ENTEROCYTE COBALAMIN MALABSORPTION; ENTEROCYTE INTRINSIC FACTOR RECEPTOR, DEFECT OF; Imerslund-Gräsbeck syndrome; PERNICIOUS ANEMIA, JUVENILE, DUE TO SELECTIVE INTESTINAL MALABSORPTION OF VITAMIN B12, WITH PROTEINURIA. Identifiers: Orphanet 35858, MedGen C4551825, MONDO:0009853.
Inborn genetic diseases. Identifiers: MedGen C0950123, MeSH D030342.

Allele frequency attached by ClinVar (database versions not stated): gnomAD 0.00001; TOPMed 0.00003.
gnomAD v4.1: 1 of 1,613,506 alleles (0.000062%); highest among the groups gnomAD compares: African/African-American, 0.0013%; no homozygotes.

Submissions (2):

Ambry Genetics
Classification: Uncertain significance for Inborn genetic diseases. Last evaluated: 2023-03-02. Review status: criteria provided, single submitter. Criteria: Ambry Variant Classification Scheme 2023. Collection method: clinical testing. Allele origin: germline.

Labcorp Genetics (formerly Invitae), Labcorp
Classification: Uncertain significance for Imerslund-Grasbeck syndrome. Last evaluated: 2022-07-12. Review status: criteria provided, single submitter. Criteria: Invitae Variant Classification Sherloc (09022015). Collection method: clinical testing. Allele origin: germline.
Comment: This variant is not present in population databases (gnomAD no frequency). This sequence change replaces glycine, which is neutral and non-polar, with alanine, which is neutral and non-polar, at codon 1915 of the CUBN protein (p.Gly1915Ala). This variant has not been reported in the literature in individuals affected with CUBN-related conditions. ClinVar contains an entry for this variant (Variation ID: 1036008). Algorithms developed to predict the effect of missense changes on protein structure and function are either unavailable or do not agree on the potential impact of this missense change (SIFT: "Deleterious"; PolyPhen-2: "Probably Damaging"; Align-GVGD: "Class C0"). In summary, the available evidence is currently insufficient to determine the role of this variant in disease. Therefore, it has been classified as a Variant of Uncertain Significance.

NM_001081.4(CUBN):c.5744G>C (p.Gly1915Ala)

Gene: CUBN (cubilin; minus strand). Cytogenetic location: 10p13.
Variant type: single nucleotide variant.
Coding change: c.5744G>C on transcript NM_001081.4 (MANE Select); coding-DNA position 5744, G replaced by C.
Protein change: p.Gly1915Ala; replaces glycine 1915 with alanine.
Molecular consequence: missense variant.
Genome position (GRCh38, 1-based): chr10:16,937,774, C>G on the plus strand (G>C on the coding strand, the complement: CUBN is on the minus strand). VCF-style: chr10-16937774-C-G. GRCh37 (hg19) VCF-style: chr10-16979773-C-G.
Other names: c.5744G>C (NM_001081.3); short protein forms G1915A.
Identifiers: ClinVar variation 1036008 (VCV001036008.10), dbSNP rs1483369204, ClinGen allele CA376155543.